The following is an entry in ClinVar:

ClinVar aggregate classification (germline): Uncertain significance (1 of 4 stars; one submission).

Submission:

Ambry Genetics
Classification: Uncertain significance. Last evaluated: 2025-07-16. Review status: criteria provided, single submitter. Criteria: Ambry Variant Classification Scheme 2023. Collection method: clinical testing. Allele origin: germline.
Comment: The p.R307W variant (also known as c.919C>T), located in coding exon 8 of the RAD51B gene, results from a C to T substitution at nucleotide position 919. The arginine at codon 307 is replaced by tryptophan, an amino acid with dissimilar properties. This amino acid position is highly conserved in available vertebrate species. In addition, this alteration is predicted to be deleterious by in silico analysis. The evidence for this gene-disease relationship is limited; therefore, the clinical significance of this alteration is unclear.

NM_133510.4(RAD51B):c.919C>T (p.Arg307Trp)

Gene: RAD51B (RAD51 paralog B; plus strand). Cytogenetic location: 14q24.1.
Variant type: single nucleotide variant.
Coding change: c.919C>T on transcript NM_133510.4 (MANE Select); coding-DNA position 919, C replaced by T.
Protein change: p.Arg307Trp; replaces arginine 307 with tryptophan.
Molecular consequence: missense variant.
Genome position (GRCh38, 1-based): chr14:68,411,489, C>T. VCF-style: chr14-68411489-C-T. GRCh37 (hg19) VCF-style: chr14-68878206-C-T.
Other names: c.562C>T, p.Arg188Trp (NM_001321817.2); c.919C>T, p.Arg307Trp (NM_001321818.2, NM_001321819.1, NM_001321821.2 and 6 more transcripts); c.805C>T, p.Arg269Trp (NM_001321815.1); short protein forms R188W, R307W, R269W.
Identifiers: ClinVar variation 4149795 (VCV004149795.1).